The following is an entry in ClinVar:

ClinVar aggregate classification (germline): Uncertain significance (1 of 4 stars; one submission).

Conditions:
Charcot-Marie-Tooth disease, type I (CMT1). Also called: Charcot-Marie-Tooth disease type 1; Charcot-Marie-Tooth, Type 1. Identifiers: Orphanet 65753, MedGen C0751036, MONDO:0019011.

Allele frequency attached by ClinVar (database versions not stated): gnomAD exomes below 0.00001.

Submission:

Labcorp Genetics (formerly Invitae), Labcorp
Classification: Uncertain significance for Charcot-Marie-Tooth disease, type I. Last evaluated: 2024-06-17. Review status: criteria provided, single submitter. Criteria: Invitae Variant Classification Sherloc (09022015). Collection method: clinical testing. Allele origin: germline.
Comment: This sequence change replaces arginine, which is basic and polar, with glutamine, which is neutral and polar, at codon 405 of the EGR2 protein (p.Arg405Gln). This variant is not present in population databases (gnomAD no frequency). This variant has not been reported in the literature in individuals affected with EGR2-related conditions. Advanced modeling of protein sequence and biophysical properties (such as structural, functional, and spatial information, amino acid conservation, physicochemical variation, residue mobility, and thermodynamic stability) performed at Invitae indicates that this missense variant is expected to disrupt EGR2 protein function with a positive predictive value of 80%. In summary, the available evidence is currently insufficient to determine the role of this variant in disease. Therefore, it has been classified as a Variant of Uncertain Significance.

NM_000399.5(EGR2):c.1214G>A (p.Arg405Gln)

Gene: EGR2 (early growth response 2; minus strand). Cytogenetic location: 10q21.3.
Variant type: single nucleotide variant.
Coding change: c.1214G>A on transcript NM_000399.5 (MANE Select); coding-DNA position 1214, G replaced by A.
Protein change: p.Arg405Gln; replaces arginine 405 with glutamine.
Molecular consequence: missense variant.
Genome position (GRCh38, 1-based): chr10:62,813,424, C>T on the plus strand (G>A on the coding strand, the complement: EGR2 is on the minus strand). VCF-style: chr10-62813424-C-T. GRCh37 (hg19) VCF-style: chr10-64573184-C-T.
Other names: c.1214G>A, p.Arg405Gln (NM_001136177.3, NM_001136178.2); c.1064G>A, p.Arg355Gln (NM_001136179.3, NM_001321037.2); c.1253G>A, p.Arg418Gln (NM_001410931.1); short protein forms R405Q, R355Q, R418Q.
Identifiers: ClinVar variation 2796608 (VCV002796608.3), dbSNP rs1842164540, ClinGen allele CA377027340.